The following is an entry in ClinVar:

NM_001378454.1(ALMS1):c.486G>T (p.Met162Ile)

Gene: ALMS1 (ALMS1 centrosome and basal body associated protein; plus strand). Cytogenetic location: 2p13.1.
Variant type: single nucleotide variant.
Coding change: c.486G>T on transcript NM_001378454.1 (MANE Select); coding-DNA position 486, G replaced by T.
Protein change: p.Met162Ile; replaces methionine 162 with isoleucine.
Molecular consequence: missense variant.
Genome position (GRCh38, 1-based): chr2:73,419,158, G>T. VCF-style: chr2-73419158-G-T. GRCh37 (hg19) VCF-style: chr2-73646286-G-T.
Other names: c.489G>T, p.Met163Ile (NM_015120.4); short protein forms M162I, M163I.
Identifiers: ClinVar variation 835326 (VCV000835326.8), dbSNP rs1671237621, ClinGen allele CA347258912.

ClinVar aggregate classification (germline): Uncertain significance (1 of 4 stars; one submission).

Conditions:
Alstrom syndrome (ALMS). Identifiers: Orphanet 64, MedGen C0268425, MONDO:0008763, OMIM 203800.

Submission:

Labcorp Genetics (formerly Invitae), Labcorp
Classification: Uncertain significance for Alstrom syndrome. Last evaluated: 2019-02-10. Review status: criteria provided, single submitter. Criteria: Invitae Variant Classification Sherloc (09022015). Collection method: clinical testing. Allele origin: germline.
Comment: This variant is not present in population databases (ExAC no frequency). In summary, the available evidence is currently insufficient to determine the role of this variant in disease. Therefore, it has been classified as a Variant of Uncertain Significance. Algorithms developed to predict the effect of missense changes on protein structure and function output the following: SIFT: "Tolerated"; PolyPhen-2: "Not Available"; Align-GVGD: "Class C0". The isoleucine amino acid residue is found in multiple mammalian species, suggesting that this missense change does not adversely affect protein function. These predictions have not been confirmed by published functional studies and their clinical significance is uncertain. This variant has not been reported in the literature in individuals with ALMS1-related conditions. This sequence change replaces methionine with isoleucine at codon 163 of the ALMS1 protein (p.Met163Ile). The methionine residue is weakly conserved and there is a small physicochemical difference between methionine and isoleucine.